The following is an entry in ClinVar:

ClinVar aggregate classification (germline): Uncertain significance (1 of 4 stars; one submission).

Allele frequency attached by ClinVar (database versions not stated): ExAC 0.00001; gnomAD 0.00001; gnomAD exomes 0.00001; TOPMed 0.00001.
gnomAD v4.1: 17 of 1,609,356 alleles (0.0011%); highest among the groups gnomAD compares: Admixed American, 0.0033%; no homozygotes.

Submission:

Labcorp Genetics (formerly Invitae), Labcorp
Classification: Uncertain significance. Last evaluated: 2024-04-09. Review status: criteria provided, single submitter. Criteria: Invitae Variant Classification Sherloc (09022015). Collection method: clinical testing. Allele origin: germline.
Comment: This sequence change replaces isoleucine, which is neutral and non-polar, with threonine, which is neutral and polar, at codon 400 of the MCM5 protein (p.Ile400Thr). This variant is present in population databases (rs761571738, gnomAD 0.006%). This variant has not been reported in the literature in individuals affected with MCM5-related conditions. Advanced modeling of protein sequence and biophysical properties (such as structural, functional, and spatial information, amino acid conservation, physicochemical variation, residue mobility, and thermodynamic stability) has been performed at Invitae for this missense variant, however the output from this modeling did not meet the statistical confidence thresholds required to predict the impact of this variant on MCM5 protein function. In summary, the available evidence is currently insufficient to determine the role of this variant in disease. Therefore, it has been classified as a Variant of Uncertain Significance.

NM_006739.4(MCM5):c.1199T>C (p.Ile400Thr)

Gene: MCM5 (minichromosome maintenance complex component 5; plus strand). Cytogenetic location: 22q12.3.
Variant type: single nucleotide variant.
Coding change: c.1199T>C on transcript NM_006739.4 (MANE Select); coding-DNA position 1199, T replaced by C.
Protein change: p.Ile400Thr; replaces isoleucine 400 with threonine.
Molecular consequence: missense variant.
Genome position (GRCh38, 1-based): chr22:35,413,982, T>C. VCF-style: chr22-35413982-T-C. GRCh37 (hg19) VCF-style: chr22-35809975-T-C.
Other names: short protein forms I400T.
Identifiers: ClinVar variation 2961561 (VCV002961561.3), dbSNP rs761571738, ClinGen allele CA10205286.